The following is an entry in ClinVar:

ClinVar aggregate classification (germline): Likely pathogenic (1 of 4 stars; one submission).

Conditions:
Hereditary spastic paraplegia 15 (SPG15). Also called: SPASTIC PARAPLEGIA 15, AUTOSOMAL RECESSIVE; KJELLIN SYNDROME; SPASTIC PARAPLEGIA AND RETINAL DEGENERATION. Identifiers: Orphanet 100996, MedGen C1849128, MONDO:0010044, OMIM 270700.

Submission:

Myriad Genetics, Inc.
Classification: Likely pathogenic for Hereditary spastic paraplegia 15. Last evaluated: 2022-03-08. Review status: criteria provided, single submitter. Criteria: Myriad Women's Health Autosomal Recessive and X-Linked Classification Criteria (2021). Collection method: clinical testing. Allele origin: unknown.
Comment: NM_015346.3(ZFYVE26):c.2149G>T(G717*) is expected to be pathogenic in the context of spastic paraplegia type 15. This variant is predicted to lead to an abnormal or absent protein product due to the creation of a premature termination codon in ZFYVE26, a gene where loss-of-function variants are known to be pathogenic. Please note: this variant was assessed in the context of healthy population screening.

NM_015346.4(ZFYVE26):c.2149G>T (p.Gly717Ter)

Gene: ZFYVE26 (zinc finger FYVE-type containing 26; minus strand). Cytogenetic location: 14q24.1.
Variant type: single nucleotide variant.
Coding change: c.2149G>T on transcript NM_015346.4 (MANE Select); coding-DNA position 2149, G replaced by T.
Protein change: p.Gly717Ter; replaces glycine 717 with a stop codon.
Molecular consequence: nonsense.
Genome position (GRCh38, 1-based): chr14:67,798,113, C>A on the plus strand (G>T on the coding strand, the complement: ZFYVE26 is on the minus strand). VCF-style: chr14-67798113-C-A. GRCh37 (hg19) VCF-style: chr14-68264830-C-A.
Other names: short protein forms G717*.
Identifiers: ClinVar variation 1725093 (VCV001725093.2), dbSNP rs2502856041, ClinGen allele CA390175062.